The following is an entry in ClinVar:

ClinVar aggregate classification (germline): Uncertain significance (1 of 4 stars; one submission).

Submission:

CeGaT Center for Human Genetics Tuebingen
Classification: Uncertain significance. Last evaluated: 2025-04-01. Review status: criteria provided, single submitter. Criteria: CeGaT Center For Human Genetics Tuebingen Variant Classification Criteria Version 2. Collection method: clinical testing. Allele origin: germline. Affected: yes. Observed: 1 variant allele.
Comment: SIM1: PM2, PM4:Supporting

NM_005068.3(SIM1):c.618_620del (p.Gln206_Asn207delinsHis)

Gene: SIM1 (SIM bHLH transcription factor 1; minus strand). Cytogenetic location: 6q16.3.
Variant type: Deletion.
Coding change: c.618_620del on transcript NM_005068.3 (MANE Select); coding-DNA positions 618 to 620, 3 bases deleted (AAA; older notation c.618_620delAAA).
Protein change: p.Gln206_Asn207delinsHis.
Molecular consequence: inframe indel.
Genome position (GRCh38, 1-based): chr6:100,448,602-100,448,604, TTT deleted on the plus strand (AAA on the coding strand, the reverse complement: SIM1 is on the minus strand); deleting any 3 consecutive bases within chr6:100,448,602-100,448,605 gives the same sequence; the c. name uses the placement nearest the transcript's 3' end. VCF-style (leftmost placement, unchanged base first): chr6-100448601-GTTT-G. GRCh37 (hg19) VCF-style: chr6-100896477-GTTT-G.
Other names: c.618_620del, p.Gln206_Asn207delinsHis (NM_001374769.1).
Identifiers: ClinVar variation 3898624 (VCV003898624.7).
Genomic context (GRCh38, chr6:100,448,601, plus strand): 5'-TAGCTTGATCTCCGTGACGGCGCTGGGAGGCAGCGAGTGGCCCACGGCCACCAGGCCCAC[GTTT>G]TGGTAGCAGCCGTCGAAGGGGGACATGTCCAGGCTGTACTGGCGGATCTTCAAGTAGCCG-3'